The following is an entry in ClinVar:

ClinVar aggregate classification (germline): Likely benign (1 of 4 stars; one submission).

Submission:

CeGaT Center for Human Genetics Tuebingen
Classification: Likely benign. Last evaluated: 2024-02-01. Review status: criteria provided, single submitter. Criteria: CeGaT Center For Human Genetics Tuebingen Variant Classification Criteria Version 2. Collection method: clinical testing. Allele origin: germline. Affected: yes. Observed: 2 variant alleles.
Comment: NUCLEOLIN: BS2

NM_005381.3(NUCLEOLIN):c.780TGA[1] (p.Asp261del)

Gene: NUCLEOLIN (nucleolin multifunctional protein; minus strand). Cytogenetic location: 2q37.1.
Variant type: Microsatellite.
Coding change: c.780TGA[1] on transcript NM_005381.3 (MANE Select); one copy of the 3-base unit TGA starting at c.780; the reference has two copies in a row; one copy, 3 bases deleted.
Protein change: p.Asp261del; deletes aspartic acid 261.
Molecular consequence: inframe deletion.
Genome position (GRCh38, 1-based): chr2:231,460,695-231,460,697, TCA deleted on the plus strand (TGA on the coding strand, the reverse complement: NUCLEOLIN is on the minus strand); deleting any 3 consecutive bases within chr2:231,460,695-231,460,702 gives the same sequence; the position shown is the placement nearest the transcript's 3' end. VCF-style (leftmost placement, unchanged base first): chr2-231460694-CTCA-C. GRCh37 (hg19) VCF-style: chr2-232325405-CTCA-C.
Other names: short protein forms D261del.
Identifiers: ClinVar variation 2651999 (VCV002651999.24), dbSNP rs556842200, ClinGen allele CA2161627.